The following is an entry in ClinVar:

NM_001165963.4(SCN1A):c.5896G>T (p.Glu1966Ter)

Genes: SCN1A (sodium voltage-gated channel alpha subunit 1; minus strand), LOC102724058 (uncharacterized LOC102724058; plus strand). Cytogenetic location: 2q24.3.
Variant type: single nucleotide variant.
Coding change: c.5896G>T on transcript NM_001165963.4 (MANE Select); coding-DNA position 5896, G replaced by T.
Protein change: p.Glu1966Ter; replaces glutamic acid 1966 with a stop codon.
Molecular consequence: nonsense. On other transcripts: non-coding transcript variant (1).
Genome position (GRCh38, 1-based): chr2:165,991,379, C>A on the plus strand (G>T on the coding strand, the complement: SCN1A is on the minus strand). VCF-style: chr2-165991379-C-A. GRCh37 (hg19) VCF-style: chr2-166847889-C-A.
Other names: c.5812G>T, p.Glu1938Ter (NM_001165964.3, NM_001353957.2, NM_001353958.2); c.5896G>T, p.Glu1966Ter (NM_001202435.3, NM_001353948.2); c.5863G>T, p.Glu1955Ter (NM_001353949.2, NM_001353950.2, NM_001353951.2 and 2 more transcripts); c.5860G>T, p.Glu1954Ter (NM_001353954.2, NM_001353955.2); c.5809G>T, p.Glu1937Ter (NM_001353960.2); c.3454G>T, p.Glu1152Ter (NM_001353961.2); short protein forms E1955*, E1966*, E1954*, E1937*, E1938*, E1152*.
Identifiers: ClinVar variation 392759 (VCV000392759.2), dbSNP rs1057524615, ClinGen allele CA16604030.
Genomic context (GRCh38, chr2:165,991,379, plus strand): 5'-AGGAAGGTGGACAAGCTGCAGTGGACATGGTCAGATCAGTTTTTTCTGTAATAGAGTTTT[C>A]ATTTATTCTGTCAATTATCATGTCTTCTTTTATAAGAAGATTAGCCCCACCTTTGATTTT-3'

ClinVar aggregate classification (germline): Uncertain significance (1 of 4 stars; one submission).

Allele frequency attached by ClinVar (database versions not stated): gnomAD exomes below 0.00001.
gnomAD v4.1: 4 of 1,613,472 alleles (0.00025%); highest among the groups gnomAD compares: African/African-American, 0.0053%; no homozygotes.

Submission:

GeneDx
Classification: Uncertain significance. Last evaluated: 2017-01-13. Review status: criteria provided, single submitter. Criteria: GeneDx Variant Classification (06012015). Collection method: clinical testing. Allele origin: germline. Affected: yes.
Comment: A variant of uncertain significance has been identified in the SCN1A gene. The E1966X variant has not been published as a pathogenic variant, nor has it been reported as a benign variant to our knowledge. The E1966X variant is not observed in large population cohorts (Lek et al., 2016; 1000 Genomes Consortium et al., 2015; Exome Variant Server). The E1966X nonsense variant is predicted to cause loss of normal protein function through protein truncation, as the last 44 amino acids of the SCN1A protein are lost. However, the amino acids that are lost are predicted to be within the C-terminal cytoplasmic domain (Escayg et al., 2010). Additionally, downstream nonsense variants have not been reported in the Human Gene Mutation Database in association with SCN1A-related disorders (Stenson et al., 2014). Therefore, based on the currently available information, it is unclear whether this variant is a pathogenic variant or a rare benign variant.